The following is an entry in ClinVar:

NM_000179.3(MSH6):c.423C>T (p.Gly141=)

Gene: MSH6 (mutS homolog 6; plus strand). Cytogenetic location: 2p16.3.
Variant type: single nucleotide variant.
Coding change: c.423C>T on transcript NM_000179.3 (MANE Select); coding-DNA position 423, C replaced by T.
Protein change: p.Gly141=; no amino-acid change (glycine 141 retained).
Molecular consequence: synonymous variant. On other transcripts: 5 prime UTR variant (7), non-coding transcript variant (5), intron variant (6).
Genome position (GRCh38, 1-based): chr2:47,791,089, C>T. VCF-style: chr2-47791089-C-T. GRCh37 (hg19) VCF-style: chr2-48018228-C-T.
Other names: c.-314C>T (NM_001281493.2, NM_001406811.1, NM_001406823.1 and 1 more transcripts); c.-480C>T (NM_001281494.2); c.519C>T, p.Gly173= (NM_001406795.1, NM_001406802.1); c.423C>T, p.Gly141= (NM_001406796.1, NM_001406798.1, NM_001406800.1 and 6 more transcripts); c.126C>T, p.Gly42= (NM_001406797.1, NM_001406801.1, NM_001406805.1 and 10 more transcripts); c.345C>T, p.Gly115= (NM_001406804.1); c.-506C>T (NM_001406807.1); c.-572C>T (NM_001406814.1); and 5 more.
Identifiers: ClinVar variation 2165254 (VCV002165254.6), dbSNP rs777587467, ClinGen allele CA072879.

ClinVar aggregate classification (germline): Benign/Likely benign. Review status: criteria provided, multiple submitters, no conflicts (2 of 4 stars). 4 submissions from 4 submitters: Benign (1); Likely benign (3). Last evaluated 2025-09-29.

Conditions:
Hereditary nonpolyposis colorectal neoplasms. Identifiers: MedGen C0009405, MeSH D003123.
Hereditary cancer-predisposing syndrome. Also called: Hereditary Cancer Syndrome; Neoplastic Syndromes, Hereditary; Tumor predisposition; Hereditary neoplastic syndrome. Identifiers: Orphanet 140162, MedGen C0027672, MeSH D009386, MONDO:0015356.
Lynch syndrome 5 (LYNCH5). Also called: Colorectal cancer, hereditary nonpolyposis, type 5; Hereditary non-polyposis colorectal cancer, type 5. Identifiers: Orphanet 144, MedGen C1833477, MONDO:0013710, OMIM 614350. Disease mechanism: loss of function.

Allele frequency attached by ClinVar (database versions not stated): gnomAD exomes below 0.00001; ExAC 0.00001.
gnomAD v4.1: 3 of 1,614,142 alleles (0.00019%); highest among the groups gnomAD compares: South Asian, 0.0033%; no homozygotes.

Submissions (4):

Color Diagnostics, LLC DBA Color Health
Classification: Likely benign for Hereditary cancer-predisposing syndrome. Last evaluated: 2025-09-29. Review status: criteria provided, single submitter. Criteria: ACMG Guidelines, 2015. Collection method: clinical testing. Allele origin: germline.

Myriad Genetics, Inc.
Classification: Benign for Lynch syndrome 5. Last evaluated: 2024-12-18. Review status: criteria provided, single submitter. Criteria: Myriad Autosomal Dominant, Autosomal Recessive and X-Linked Classification Criteria (2023). Collection method: clinical testing. Allele origin: unknown.
Comment: This variant is considered benign. This variant is a silent/synonymous amino acid change and it is not expected to impact splicing.

Ambry Genetics
Classification: Likely benign for Hereditary cancer-predisposing syndrome. Last evaluated: 2024-01-20. Review status: criteria provided, single submitter. Criteria: Ambry Variant Classification Scheme 2023. Collection method: clinical testing. Allele origin: germline.

Labcorp Genetics (formerly Invitae), Labcorp
Classification: Likely benign for Hereditary nonpolyposis colorectal neoplasms. Last evaluated: 2022-12-22. Review status: criteria provided, single submitter. Criteria: Invitae Variant Classification Sherloc (09022015). Collection method: clinical testing. Allele origin: germline.